The following is an entry in ClinVar:

NM_033305.3(VPS13A):c.234_235insACATTTTTTTG (p.Val79fs)

Gene: VPS13A (vacuolar protein sorting 13 homolog A; plus strand). Cytogenetic location: 9q21.2.
Variant type: Insertion.
Coding change: c.234_235insACATTTTTTTG on transcript NM_033305.3 (MANE Select); coding-DNA positions 234 to 235, ACATTTTTTTG inserted.
Protein change: p.Val79fs; shifts the reading frame from valine 79.
Molecular consequence: frameshift variant.
Genome position: GRCh38 VCF-style: chr9-77205359-T-TACATTTTTTTG. GRCh37 (hg19) VCF-style: chr9-79820275-T-TACATTTTTTTG.
Other names: c.234_235insACATTTTTTTG, p.Val79fs (NM_001018037.2, NM_001018038.3, NM_015186.4); short protein forms V79fs.
Identifiers: ClinVar variation 5010404 (VCV005010404.1).

ClinVar aggregate classification (germline): Pathogenic (1 of 4 stars; one submission).

Conditions:
VPS13A-related neurodegenerative disease. Also called: ACANTHOCYTOSIS WITH NEUROLOGIC DISORDER; LEVINE-CRITCHLEY SYNDROME; Choreoacanthocytosis; Chorea-acanthocytosis; Choreaacanthocytosis; VPS13A Disease. Identifiers: Orphanet 2388, MedGen C0393576, MONDO:0008695, OMIM 200150.

Submission:

Myriad Genetics, Inc.
Classification: Pathogenic for VPS13A-related neurodegenerative disease. Last evaluated: 2024-05-14. Review status: criteria provided, single submitter. Criteria: Myriad Autosomal Dominant, Autosomal Recessive and X-Linked Classification Criteria (2023). Collection method: clinical testing. Allele origin: unknown.
Comment: NM_033305.2(VPS13A):c.234_235ins11(V79Tfs*16) is expected to be pathogenic in the context of VPS13A disease. This variant is predicted to lead to an abnormal or absent protein product due to the creation of a premature termination codon in VPS13A, a gene where loss-of-function variants are known to be pathogenic. Please note: this variant was assessed in the context of healthy population screening.